The following is an entry in ClinVar:

ClinVar aggregate classification (germline): Conflicting classifications of pathogenicity. Review status: criteria provided, conflicting classifications (1 of 4 stars). 8 submissions from 8 submitters: Uncertain significance (2); Likely benign (5). 1 of the submissions does not count toward it. Last evaluated 2026-09-01.

Conditions:
Inborn genetic diseases. Identifiers: MedGen C0950123, MeSH D030342.
FLNB-Related Spectrum Disorders.
FLNB-related disorder. Also called: FLNB-related condition; FLNB-related disorders. Identifiers: MedGen CN381095.

Allele frequency attached by ClinVar (database versions not stated): 1000 Genomes Project 30x 0.00031; 1000 Genomes Project 0.00040; ExAC 0.00077; gnomAD 0.00090 and 0.00091; gnomAD exomes 0.00090 and 0.00164; TOPMed 0.00091; ESP Exome Variant Server 0.00108.
gnomAD v4.1: 2,506 of 1,614,190 alleles (0.16%); highest among the groups gnomAD compares: Non-Finnish European, 0.2%; 6 homozygotes.

Submissions (8):

CeGaT Center for Human Genetics Tuebingen
Classification: Likely benign. Last evaluated: 2026-09-01. Review status: criteria provided, single submitter. Criteria: CeGaT Center For Human Genetics Tuebingen Variant Classification Criteria Version 2. Collection method: clinical testing. Allele origin: germline. Affected: yes. Observed: 2 variant alleles.
Comment: FLNB: BS2

Labcorp Genetics (formerly Invitae), Labcorp
Classification: Likely benign. Last evaluated: 2026-02-01. Review status: criteria provided, single submitter. Criteria: Invitae Variant Classification Sherloc (09022015). Collection method: clinical testing. Allele origin: germline.

ARUP Laboratories, Molecular Genetics and Genomics, ARUP Laboratories
Classification: Uncertain significance. Last evaluated: 2025-02-20. Review status: criteria provided, single submitter. Criteria: ARUP Molecular Germline Variant Investigation Process 2024. Collection method: clinical testing. Allele origin: germline.
Comment: The FLNB c.2453G>A; p.Arg818Gln variant (rs151259375), to our knowledge, is not reported in the medical literature but is reported in ClinVar (Variation ID: 388816). This variant is found in the non-Finnish European population with an allele frequency of 0.18% (235/129190 alleles, including 1 homozygote) in the Genome Aggregation Database (v2.1.1). Computational analyses are uncertain whether this variant is neutral or deleterious (REVEL: 0.354). Due to limited information, the clinical significance of the p.Arg818Gln variant is uncertain at this time.

Ambry Genetics
Classification: Likely benign for Inborn genetic diseases. Last evaluated: 2025-01-04. Review status: criteria provided, single submitter. Criteria: Ambry Variant Classification Scheme 2023. Collection method: clinical testing. Allele origin: germline.

Blueprint Genetics
Classification: Likely benign. Last evaluated: 2024-10-28. Review status: criteria provided, single submitter. Criteria: ACMG Guidelines, 2015. Collection method: clinical testing. Allele origin: germline.

Illumina Laboratory Services, Illumina
Classification: Likely benign for FLNB-Related Spectrum Disorders. Last evaluated: 2018-01-12. Review status: criteria provided, single submitter. Criteria: ICSL Variant Classification Criteria 13 December 2019. Collection method: clinical testing. Allele origin: germline.
Comment: This variant was observed in the ICSL laboratory as part of a predisposition screen in an ostensibly healthy population. It had not been previously curated by ICSL or reported in the Human Gene Mutation Database (HGMD: prior to June 1st, 2018), and was therefore a candidate for classification through an automated scoring system. Utilizing variant allele frequency, disease prevalence and penetrance estimates, and inheritance mode, an automated score was calculated to assess if this variant is too frequent to cause the disease. Based on the score and internal cut-off values, a variant classified as likely benign is not then subjected to further curation. The score for this variant resulted in a classification of likely benign for this disease.

GeneDx
Classification: Uncertain significance. Last evaluated: 2016-08-24. Review status: criteria provided, single submitter. Criteria: GeneDx Variant Classification (06012015). Collection method: clinical testing. Allele origin: germline. Affected: yes.
Comment: The R818Q variant has not been published as a pathogenic variant, nor has it been reported as a benign variant to our knowledge. The NHLBI Exome Sequencing Project reports that R818Q was observed in 12/8600 alleles and the 1000 Genomes Project Consortium reports R818Q was observed in 1/1008 alleles from individuals of East Asian ancestry, indicating it may be a rare benign variant in this population. The R818Q variant is a semi-conservative amino acid substitution, which may impact secondary protein structure as these residues differ in some properties. This substitution occurs at a position that is conserved in mammals. In silico analysis predicts this variant is probably damaging to the protein structure/function. Therefore, based on the currently available information, it is unclear whether this variant is a pathogenic variant or a rare benign variant.

PreventionGenetics, part of Exact Sciences
Classification: Likely benign for FLNB-related condition. Last evaluated: 2022-08-03. Review status: no assertion criteria provided. Collection method: clinical testing. Allele origin: germline. Not counted in ClinVar's aggregate classification.
Comment: This variant is classified as likely benign based on ACMG/AMP sequence variant interpretation guidelines (Richards et al. 2015 PMID: 25741868, with internal and published modifications).

NM_001457.4(FLNB):c.2453G>A (p.Arg818Gln)

Gene: FLNB (filamin B; plus strand). Cytogenetic location: 3p14.3.
Variant type: single nucleotide variant.
Coding change: c.2453G>A on transcript NM_001457.4 (MANE Select); coding-DNA position 2453, G replaced by A.
Protein change: p.Arg818Gln; replaces arginine 818 with glutamine.
Molecular consequence: missense variant.
Genome position (GRCh38, 1-based): chr3:58,110,139, G>A. VCF-style: chr3-58110139-G-A. GRCh37 (hg19) VCF-style: chr3-58095866-G-A.
Other names: c.2453G>A, p.Arg818Gln (NM_001164317.2, NM_001164318.2, NM_001164319.2); short protein forms R818Q.
Identifiers: ClinVar variation 388816 (VCV000388816.30), dbSNP rs151259375, ClinGen allele CA2468122.